The following is an entry in ClinVar:

NM_024301.5(FKRP):c.476C>A (p.Pro159Gln)

Gene: FKRP (fukutin related protein; plus strand). Cytogenetic location: 19q13.32.
Variant type: single nucleotide variant.
Coding change: c.476C>A on transcript NM_024301.5 (MANE Select); coding-DNA position 476, C replaced by A.
Protein change: p.Pro159Gln; replaces proline 159 with glutamine.
Molecular consequence: missense variant.
Genome position (GRCh38, 1-based): chr19:46,755,926, C>A. VCF-style: chr19-46755926-C-A. GRCh37 (hg19) VCF-style: chr19-47259183-C-A.
Other names: c.476C>A, p.Pro159Gln (NM_001039885.3); short protein forms P159Q.
Identifiers: ClinVar variation 4741844 (VCV004741844.1).

ClinVar aggregate classification (germline): Uncertain significance (1 of 4 stars; one submission).

Conditions:
Walker-Warburg congenital muscular dystrophy. Also called: Muscular dystrophy-dystroglycanopathy, type A; Walker-Warburg syndrome. Identifiers: Orphanet 899, MedGen C0265221, MONDO:0000171.

Submission:

Labcorp Genetics (formerly Invitae), Labcorp
Classification: Uncertain significance for Walker-Warburg congenital muscular dystrophy. Last evaluated: 2025-06-18. Review status: criteria provided, single submitter. Criteria: Invitae Variant Classification Sherloc (09022015). Collection method: clinical testing. Allele origin: germline.
Comment: This sequence change replaces proline, which is neutral and non-polar, with glutamine, which is neutral and polar, at codon 159 of the FKRP protein (p.Pro159Gln). This variant is not present in population databases (gnomAD no frequency). This variant has not been reported in the literature in individuals affected with FKRP-related conditions. Invitae Evidence Modeling of protein sequence and biophysical properties (such as structural, functional, and spatial information, amino acid conservation, physicochemical variation, residue mobility, and thermodynamic stability) has been performed for this missense variant. However, the output from this modeling did not meet the statistical confidence thresholds required to predict the impact of this variant on FKRP protein function. In summary, the available evidence is currently insufficient to determine the role of this variant in disease. Therefore, it has been classified as a Variant of Uncertain Significance.